The following is an entry in ClinVar:

NM_003482.4(KMT2D):c.10999C>T (p.Gln3667Ter)

Gene: KMT2D (lysine methyltransferase 2D; minus strand). Cytogenetic location: 12q13.12.
Variant type: single nucleotide variant.
Coding change: c.10999C>T on transcript NM_003482.4 (MANE Select); coding-DNA position 10999, C replaced by T.
Protein change: p.Gln3667Ter; replaces glutamine 3667 with a stop codon.
Molecular consequence: nonsense.
Genome position (GRCh38, 1-based): chr12:49,033,706, G>A on the plus strand (C>T on the coding strand, the complement: KMT2D is on the minus strand). VCF-style: chr12-49033706-G-A. GRCh37 (hg19) VCF-style: chr12-49427489-G-A.
Other names: short protein forms Q3667*.
Identifiers: ClinVar variation 547470 (VCV000547470.2), dbSNP rs1555189038, ClinGen allele CA384724363.
Genomic context (GRCh38, chr12:49,033,706, plus strand): 5'-CAGAATGTTGCTGTTGCTGCTGTTGGGCCAGAGCTGTATTAAGGAAGGGGCCACCAGGCT[G>A]TCCAGGTAGTGCCATACCCCCAGGGGTCAGGCGAAGACCTCCGGCTTGCCCACCCGGAGG-3'

ClinVar aggregate classification (germline): Pathogenic/Likely pathogenic. Review status: criteria provided, multiple submitters, no conflicts (2 of 4 stars). 2 submissions from 2 submitters: Pathogenic (1); Likely pathogenic (1). Last evaluated 2017-09-16.

Conditions:
Kabuki syndrome. Also called: NIIKAWA-KUROKI SYNDROME; Kabuki make-up syndrome. Identifiers: Orphanet 2322, MedGen C0796004, MONDO:0016512.
Kabuki syndrome 1 (KABUK1). Also called: KMT2D-Related Kabuki Syndrome. Identifiers: Orphanet 2322, MedGen CN030661, MONDO:0007843, OMIM 147920.

Submissions (2):

Labcorp Genetics (formerly Invitae), Labcorp
Classification: Pathogenic for Kabuki syndrome. Last evaluated: 2017-09-16. Review status: criteria provided, single submitter. Criteria: Invitae Variant Classification Sherloc (09022015). Collection method: clinical testing. Allele origin: germline.
Comment: This sequence change creates a premature translational stop signal (p.Gln3667*) in the KMT2D gene. It is expected to result in an absent or disrupted protein product. This variant is not present in population databases (ExAC no frequency). This variant has not been reported in the literature in individuals with KMT2D-related disease. Loss-of-function variants in KMT2D are known to be pathogenic (PMID: 22126750). For these reasons, this variant has been classified as Pathogenic.

Center for Human Genetics, Inc
Classification: Likely pathogenic for Kabuki syndrome 1. Last evaluated: 2016-11-01. Review status: criteria provided, single submitter. Criteria: ACMG Guidelines, 2015. Collection method: clinical testing. Allele origin: germline. Affected: yes.

Literature cited by the submitters: PubMed 22126750 (cited by Labcorp Genetics (formerly Invitae), Labcorp).